The following is an entry in ClinVar:

NM_020937.4(FANCM):c.4657T>G (p.Ser1553Ala)

Gene: FANCM (FA complementation group M; plus strand). Cytogenetic location: 14q21.2.
Variant type: single nucleotide variant.
Coding change: c.4657T>G on transcript NM_020937.4 (MANE Select); coding-DNA position 4657, T replaced by G.
Protein change: p.Ser1553Ala; replaces serine 1553 with alanine.
Molecular consequence: missense variant.
Genome position (GRCh38, 1-based): chr14:45,185,358, T>G. VCF-style: chr14-45185358-T-G. GRCh37 (hg19) VCF-style: chr14-45654561-T-G.
Other names: c.4579T>G, p.Ser1527Ala (NM_001308133.2); short protein forms S1527A, S1553A.
Identifiers: ClinVar variation 1497564 (VCV001497564.5), dbSNP rs2139284324, ClinGen allele CA389608399.

ClinVar aggregate classification (germline): Uncertain significance (1 of 4 stars; one submission).

Conditions:
Fanconi anemia (FA). Also called: Fanconi's anemia. Identifiers: Orphanet 84, MedGen C0015625, MeSH D005199, MONDO:0019391.

Submission:

Labcorp Genetics (formerly Invitae), Labcorp
Classification: Uncertain significance for Fanconi anemia. Last evaluated: 2024-11-05. Review status: criteria provided, single submitter. Criteria: Invitae Variant Classification Sherloc (09022015). Collection method: clinical testing. Allele origin: germline.
Comment: This sequence change replaces serine, which is neutral and polar, with alanine, which is neutral and non-polar, at codon 1553 of the FANCM protein (p.Ser1553Ala). This variant is not present in population databases (gnomAD no frequency). This variant has not been reported in the literature in individuals affected with FANCM-related conditions. ClinVar contains an entry for this variant (Variation ID: 1497564). An algorithm developed to predict the effect of missense changes on protein structure and function (PolyPhen-2) suggests that this variant is likely to be disruptive. In summary, the available evidence is currently insufficient to determine the role of this variant in disease. Therefore, it has been classified as a Variant of Uncertain Significance.